The following is an entry in ClinVar:

ClinVar aggregate classification (germline): Uncertain significance. Review status: criteria provided, multiple submitters, no conflicts (2 of 4 stars). 4 submissions from 4 submitters: Uncertain significance (3). 1 of the submissions does not count toward it. Last evaluated 2026-08-13.

Conditions:
Hereditary cancer-predisposing syndrome. Also called: Hereditary Cancer Syndrome; Tumor predisposition; Neoplastic Syndromes, Hereditary; Hereditary neoplastic syndrome. Identifiers: Orphanet 140162, MedGen C0027672, MeSH D009386, MONDO:0015356.
FH-related disorder. Also called: FH-related condition; FH-related disorders.

Allele frequency attached by ClinVar (database versions not stated): gnomAD exomes below 0.00001; TOPMed below 0.00001; gnomAD 0.00001.
gnomAD v4.1: 6 of 1,613,854 alleles (0.00037%); highest among the groups gnomAD compares: African/African-American, 0.0027%; no homozygotes.

Submissions (4):

Ambry Genetics
Classification: Uncertain significance for Hereditary cancer-predisposing syndrome. Last evaluated: 2026-08-13. Review status: criteria provided, single submitter. Criteria: Ambry Variant Classification Scheme 2023. Collection method: clinical testing. Allele origin: germline.
Comment: The p.V297M variant (also known as c.889G>A), located in coding exon 6 of the FH gene, results from a G to A substitution at nucleotide position 889. The valine at codon 297 is replaced by methionine, an amino acid with highly similar properties. This amino acid position is highly conserved in available vertebrate species. In addition, this alteration is predicted to be deleterious by in silico analysis. Based on the available evidence, the clinical significance of this variant remains unclear.

Labcorp Genetics (formerly Invitae), Labcorp
Classification: Uncertain significance. Last evaluated: 2025-11-03. Review status: criteria provided, single submitter. Criteria: Invitae Variant Classification Sherloc (09022015). Collection method: clinical testing. Allele origin: germline.
Comment: This sequence change replaces valine, which is neutral and non-polar, with methionine, which is neutral and non-polar, at codon 297 of the FH protein (p.Val297Met). This variant is present in population databases (no rsID available, gnomAD 0.01%). This variant has not been reported in the literature in individuals affected with FH-related conditions. ClinVar contains an entry for this variant (Variation ID: 1449559). Invitae Evidence Modeling of protein sequence and biophysical properties (such as structural, functional, and spatial information, amino acid conservation, physicochemical variation, residue mobility, and thermodynamic stability) has been performed for this missense variant. However, the output from this modeling did not meet the statistical confidence thresholds required to predict the impact of this variant on FH protein function. In summary, the available evidence is currently insufficient to determine the role of this variant in disease. Therefore, it has been classified as a Variant of Uncertain Significance.

GeneDx
Classification: Uncertain significance. Last evaluated: 2023-03-14. Review status: criteria provided, single submitter. Criteria: GeneDx Variant Classification Process June 2021. Collection method: clinical testing. Allele origin: germline. Affected: yes.
Comment: Not observed at significant frequency in large population cohorts (gnomAD); In silico analysis supports that this missense variant does not alter protein structure/function; Has not been previously published as pathogenic or benign to our knowledge

PreventionGenetics, part of Exact Sciences
Classification: Uncertain significance for FH-related condition. Last evaluated: 2024-09-06. Review status: no assertion criteria provided. Collection method: clinical testing. Allele origin: germline. Not counted in ClinVar's aggregate classification.
Comment: The FH c.889G>A variant is predicted to result in the amino acid substitution p.Val297Met. To our knowledge, this variant has not been reported in the literature. This variant is reported in 0.011% of alleles in individuals of African descent in gnomAD. This variant is interpreted as uncertain significance in ClinVar. At this time, the clinical significance of this variant is uncertain due to the absence of conclusive functional and genetic evidence.

NM_000143.4(FH):c.889G>A (p.Val297Met)

Gene: FH (fumarate hydratase; minus strand). Cytogenetic location: 1q43.
Variant type: single nucleotide variant.
Coding change: c.889G>A on transcript NM_000143.4 (MANE Select); coding-DNA position 889, G replaced by A.
Protein change: p.Val297Met; replaces valine 297 with methionine.
Molecular consequence: missense variant.
Genome position (GRCh38, 1-based): chr1:241,506,018, C>T on the plus strand (G>A on the coding strand, the complement: FH is on the minus strand). VCF-style: chr1-241506018-C-T. GRCh37 (hg19) VCF-style: chr1-241669318-C-T.
Other names: short protein forms V297M.
Identifiers: ClinVar variation 1449559 (VCV001449559.13), dbSNP rs1245254230, ClinGen allele CA345438807.